The following is an entry in ClinVar:

NM_001370259.2(MEN1):c.170A>G (p.Asn57Ser)

Gene: MEN1 (menin 1; minus strand). Cytogenetic location: 11q13.1.
Variant type: single nucleotide variant.
Coding change: c.170A>G on transcript NM_001370259.2 (MANE Select); coding-DNA position 170, A replaced by G.
Protein change: p.Asn57Ser; replaces asparagine 57 with serine.
Molecular consequence: missense variant. On other transcripts: non-coding transcript variant (4).
Genome position (GRCh38, 1-based): chr11:64,809,940, T>C on the plus strand (A>G on the coding strand, the complement: MEN1 is on the minus strand). VCF-style: chr11-64809940-T-C. GRCh37 (hg19) VCF-style: chr11-64577412-T-C.
Other names: c.170A>G, p.Asn57Ser (NM_000244.4, NM_001370251.2, NM_001370260.2 and 20 more transcripts); short protein forms N57S.
Identifiers: ClinVar variation 2562003 (VCV002562003.5), dbSNP rs2136191144, ClinGen allele CA381187725.

ClinVar aggregate classification (germline): Uncertain significance. Review status: criteria provided, multiple submitters, no conflicts (2 of 4 stars). 3 submissions from 3 submitters: Uncertain significance (3). Last evaluated 2025-08-10.

Conditions:
Hereditary cancer-predisposing syndrome. Also called: Tumor predisposition; Hereditary neoplastic syndrome; Neoplastic Syndromes, Hereditary; Hereditary Cancer Syndrome. Identifiers: Orphanet 140162, MedGen C0027672, MeSH D009386, MONDO:0015356.
Multiple endocrine neoplasia, type 1 (MEN1). Also called: MEN I; WERMER SYNDROME; Endocrine adenomatosis multiple; MEN 1; MEA I. Identifiers: Orphanet 652, MedGen C0025267, MeSH D018761, MONDO:0007540, OMIM 131100.

Submissions (3):

Color Diagnostics, LLC DBA Color Health
Classification: Uncertain significance for Multiple endocrine neoplasia, type 1. Last evaluated: 2025-08-10. Review status: criteria provided, single submitter. Criteria: ACMG Guidelines, 2015. Collection method: clinical testing. Allele origin: germline.
Comment: This missense variant replaces asparagine with serine at codon 57 of the MEN1 protein. Computational prediction is inconclusive regarding the impact of this variant on protein structure and function. To our knowledge, functional studies have not been reported for this variant. This variant has not been reported in individuals affected with MEN1-related disorders in the literature. This variant has not been identified in the general population by the Genome Aggregation Database (gnomAD). The available evidence is insufficient to determine the role of this variant in disease conclusively. Therefore, this variant is classified as a Variant of Uncertain Significance.

Labcorp Genetics (formerly Invitae), Labcorp
Classification: Uncertain significance for Multiple endocrine neoplasia, type 1. Last evaluated: 2025-07-30. Review status: criteria provided, single submitter. Criteria: Invitae Variant Classification Sherloc (09022015). Collection method: clinical testing. Allele origin: germline.
Comment: This sequence change replaces asparagine, which is neutral and polar, with serine, which is neutral and polar, at codon 57 of the MEN1 protein (p.Asn57Ser). This variant is not present in population databases (gnomAD no frequency). This variant has not been reported in the literature in individuals affected with MEN1-related conditions. ClinVar contains an entry for this variant (Variation ID: 2562003). Invitae Evidence Modeling of protein sequence and biophysical properties (such as structural, functional, and spatial information, amino acid conservation, physicochemical variation, residue mobility, and thermodynamic stability) has been performed for this missense variant. However, the output from this modeling did not meet the statistical confidence thresholds required to predict the impact of this variant on MEN1 protein function. In summary, the available evidence is currently insufficient to determine the role of this variant in disease. Therefore, it has been classified as a Variant of Uncertain Significance.

Ambry Genetics
Classification: Uncertain significance for Hereditary cancer-predisposing syndrome. Last evaluated: 2023-05-14. Review status: criteria provided, single submitter. Criteria: Ambry Variant Classification Scheme 2023. Collection method: clinical testing. Allele origin: germline.
Comment: The p.N57S variant (also known as c.170A>G), located in coding exon 1 of the MEN1 gene, results from an A to G substitution at nucleotide position 170. The asparagine at codon 57 is replaced by serine, an amino acid with highly similar properties. This amino acid position is conserved. In addition, the in silico prediction for this alteration is inconclusive. Since supporting evidence is limited at this time, the clinical significance of this alteration remains unclear.